The following is an entry in ClinVar:

NM_006642.5(SDCCAG8):c.1356+1G>C

Gene: SDCCAG8 (SHH signaling and ciliogenesis regulator SDCCAG8; plus strand). Cytogenetic location: 1q43.
Variant type: single nucleotide variant.
Coding change: c.1356+1G>C on transcript NM_006642.5 (MANE Select); the canonical splice donor site of the intron after coding-DNA position 1356, G replaced by C.
Molecular consequence: splice donor variant.
Genome position (GRCh38, 1-based): chr1:243,341,174, G>C. VCF-style: chr1-243341174-G-C. GRCh37 (hg19) VCF-style: chr1-243504476-G-C.
Other names: c.1062+1G>C (NM_001350249.2); c.453+1G>C (NM_001350251.2, NM_001350246.2, NM_001350247.2); c.1452+1G>C (NM_001350248.2).
Identifiers: ClinVar variation 1321378 (VCV001321378.6), dbSNP rs2147782314, ClinGen allele CA345474949.
Genomic context (GRCh38, chr1:243,341,174, plus strand): 5'-ATTAATCAACTGGAGGAAATTCAAAGCCAGCTGGCTTCTCGGGAAATGGATGTCACAAAG[G>C]TACAGAAAGAGATTTTAGTGTAATCGTTACTTAAGGAAATATTTCCTTTGAAAAATGTTT-3'

ClinVar aggregate classification (germline): Likely pathogenic. Review status: criteria provided, multiple submitters, no conflicts (2 of 4 stars). 2 submissions from 2 submitters: Likely pathogenic (2). Last evaluated 2022-04-28.

Conditions:
Bardet-Biedl syndrome (BBS). Identifiers: Orphanet 110, MedGen C0752166, MONDO:0015229.
Senior-Loken syndrome 7 (SLSN7). Identifiers: Orphanet 3156, MedGen C3150877, MONDO:0013326, OMIM 613615.
Bardet-Biedl syndrome 16 (BBS16). Identifiers: Orphanet 110, MedGen C3889474, MONDO:0014444, OMIM 615993.

Submissions (2):

Labcorp Genetics (formerly Invitae), Labcorp
Classification: Likely pathogenic for Bardet-Biedl syndrome 16; Senior-Loken syndrome 7. Last evaluated: 2022-04-28. Review status: criteria provided, single submitter. Criteria: Invitae Variant Classification Sherloc (09022015). Collection method: clinical testing. Allele origin: germline.
Comment: In summary, the currently available evidence indicates that the variant is pathogenic, but additional data are needed to prove that conclusively. Therefore, this variant has been classified as Likely Pathogenic. Algorithms developed to predict the effect of sequence changes on RNA splicing suggest that this variant may disrupt the consensus splice site. ClinVar contains an entry for this variant (Variation ID: 1321378). This variant has not been reported in the literature in individuals affected with SDCCAG8-related conditions. This variant is not present in population databases (gnomAD no frequency). This sequence change affects a donor splice site in intron 11 of the SDCCAG8 gene. It is expected to disrupt RNA splicing. Variants that disrupt the donor or acceptor splice site typically lead to a loss of protein function (PMID: 16199547), and loss-of-function variants in SDCCAG8 are known to be pathogenic (PMID: 20835237, 22190896).

Women's Health and Genetics/Laboratory Corporation of America, LabCorp
Classification: Likely pathogenic for Bardet-Biedl syndrome. Last evaluated: 2021-10-14. Review status: criteria provided, single submitter. Criteria: LabCorp Variant Classification Summary - May 2015. Collection method: clinical testing. Allele origin: germline.
Comment: Variant summary: SDCCAG8 c.1356+1G>C is located in a canonical splice-site and is predicted to affect mRNA splicing resulting in a significantly altered protein due to either exon skipping, shortening, or inclusion of intronic material. Several computational tools predict a significant impact on normal splicing: four predict the variant abolishes a 5 prme splicing donor site. However, these predictions have yet to be confirmed by functional studies. The variant was absent in 250564 control chromosomes. To our knowledge, no occurrence of c.1356+1G>C in individuals affected with Bardet-Biedl Syndrome and no experimental evidence demonstrating its impact on protein function have been reported. No clinical diagnostic laboratories have submitted clinical-significance assessments for this variant to ClinVar after 2014. Based on the evidence outlined above, the variant was classified as likely pathogenic.

Literature cited by the submitters: PubMed 16199547 (cited by Labcorp Genetics (formerly Invitae), Labcorp); PubMed 20835237 (cited by Labcorp Genetics (formerly Invitae), Labcorp); PubMed 22190896 (cited by Labcorp Genetics (formerly Invitae), Labcorp).